The following is an entry in ClinVar:

ClinVar aggregate classification (germline): Uncertain significance. Review status: criteria provided, multiple submitters, no conflicts (2 of 4 stars). 3 submissions from 3 submitters: Uncertain significance (3). Last evaluated 2025-04-12.

Conditions:
Cardiovascular phenotype. Identifiers: MedGen CN230736.

Submissions (3):

Ambry Genetics
Classification: Uncertain significance for Cardiovascular phenotype. Last evaluated: 2025-04-12. Review status: criteria provided, single submitter. Criteria: Ambry Variant Classification Scheme 2023. Collection method: clinical testing. Allele origin: germline.
Comment: The p.V380F variant (also known as c.1138G>T), located in coding exon 9 of the ABCA1 gene, results from a G to T substitution at nucleotide position 1138. The valine at codon 380 is replaced by phenylalanine, an amino acid with highly similar properties. This amino acid position is conserved. In addition, this alteration is predicted to be tolerated by in silico analysis. Since supporting evidence is limited at this time, the clinical significance of this alteration remains unclear.

GeneDx
Classification: Uncertain significance. Last evaluated: 2024-05-01. Review status: criteria provided, single submitter. Criteria: GeneDx Variant Classification Process June 2021. Collection method: clinical testing. Allele origin: germline. Affected: yes.
Comment: Has not been previously published as pathogenic or benign to our knowledge; Not observed at significant frequency in large population cohorts (gnomAD); In silico analysis indicates that this missense variant does not alter protein structure/function

Labcorp Genetics (formerly Invitae), Labcorp
Classification: Uncertain significance. Last evaluated: 2022-07-26. Review status: criteria provided, single submitter. Criteria: Invitae Variant Classification Sherloc (09022015). Collection method: clinical testing. Allele origin: germline.
Comment: This sequence change replaces valine, which is neutral and non-polar, with phenylalanine, which is neutral and non-polar, at codon 380 of the ABCA1 protein (p.Val380Phe). This variant is not present in population databases (gnomAD no frequency). This variant has not been reported in the literature in individuals affected with ABCA1-related conditions. Advanced modeling of protein sequence and biophysical properties (such as structural, functional, and spatial information, amino acid conservation, physicochemical variation, residue mobility, and thermodynamic stability) performed at Invitae indicates that this missense variant is not expected to disrupt ABCA1 protein function. In summary, the available evidence is currently insufficient to determine the role of this variant in disease. Therefore, it has been classified as a Variant of Uncertain Significance.

NM_005502.4(ABCA1):c.1138G>T (p.Val380Phe)

Gene: ABCA1 (ATP binding cassette subfamily A member 1; minus strand). Cytogenetic location: 9q31.1.
Variant type: single nucleotide variant.
Coding change: c.1138G>T on transcript NM_005502.4 (MANE Select); coding-DNA position 1138, G replaced by T.
Protein change: p.Val380Phe; replaces valine 380 with phenylalanine.
Molecular consequence: missense variant.
Genome position (GRCh38, 1-based): chr9:104,837,484, C>A on the plus strand (G>T on the coding strand, the complement: ABCA1 is on the minus strand). VCF-style: chr9-104837484-C-A. GRCh37 (hg19) VCF-style: chr9-107599765-C-A.
Other names: short protein forms V380F.
Identifiers: ClinVar variation 1730456 (VCV001730456.6), dbSNP rs113058638, ClinGen allele CA374327978.